The following is an entry in ClinVar:

NM_015662.3(IFT172):c.1478T>G (p.Leu493Arg)

Gene: IFT172 (intraflagellar transport 172; minus strand). Cytogenetic location: 2p23.3.
Variant type: single nucleotide variant.
Coding change: c.1478T>G on transcript NM_015662.3 (MANE Select); coding-DNA position 1478, T replaced by G.
Protein change: p.Leu493Arg; replaces leucine 493 with arginine.
Molecular consequence: missense variant.
Genome position (GRCh38, 1-based): chr2:27,472,296, A>C on the plus strand (T>G on the coding strand, the complement: IFT172 is on the minus strand). VCF-style: chr2-27472296-A-C. GRCh37 (hg19) VCF-style: chr2-27695163-A-C.
Other names: short protein forms L493R.
Identifiers: ClinVar variation 849763 (VCV000849763.19), dbSNP rs1282056614, ClinGen allele CA346391528.

ClinVar aggregate classification (germline): Uncertain significance. Review status: criteria provided, multiple submitters, no conflicts (2 of 4 stars). 6 submissions from 5 submitters: Uncertain significance (3). 3 of the submissions do not count toward it. Last evaluated 2025-02-20.

Conditions:
Short-rib thoracic dysplasia 10 with or without polydactyly (SRTD10). Identifiers: Orphanet 474, MedGen C3810175, MONDO:0014284, OMIM 615630.
Retinitis pigmentosa 71 (RP71). Identifiers: Orphanet 791, MedGen C4225342, MONDO:0014618, OMIM 616394.
Bardet-Biedl syndrome 20. Identifiers: MedGen C4310707, MONDO:0023670, OMIM 619471, MONDO:0014926.
Bardet-Biedl syndrome 22 (BBS22). Identifiers: MedGen C5561936, MONDO:0014926, OMIM 617119.

Allele frequency attached by ClinVar (database versions not stated): gnomAD exomes 0.00001.
gnomAD v4.1: 4 of 1,614,168 alleles (0.00025%); highest among the groups gnomAD compares: East Asian, 0.0089%; no homozygotes.

Submissions (6):

Dasa
Classification: Uncertain significance. Last evaluated: 2025-02-20. Review status: criteria provided, single submitter. Criteria: DASA Assertion Criteria. Collection method: clinical testing. Allele origin: germline.
Comment: NM_015662.3(IFT172):c.1478T>G (p.Leu493Arg) is a missense variant that results in the substitution of leucine with arginine. This variant has been reported in individuals with IFT172-related disorders (PMID: 31587445). Also, this variant is rare in population databases. Computational prediction algorithms are consistent with a deleterious effect. The currently available literature and clinical evidence are not sufficient to establish a definitive association between this variant and the reported condition. Therefore, this variant is classified as a variant of uncertain significance.

GeneDx
Classification: Uncertain significance. Last evaluated: 2020-01-16. Review status: criteria provided, single submitter. Criteria: GeneDx Variant Classification Process June 2021. Collection method: clinical testing. Allele origin: germline. Affected: yes.
Comment: Not observed in large population cohorts (Lek et al., 2016); In silico analysis, which includes protein predictors and evolutionary conservation, supports a deleterious effect; In addition, in silico analysis, which includes splice predictors and evolutionary conservation, is inconclusive as to whether the variant alters gene splicing. In the absence of RNA/functional studies, the actual effect of this sequence change is unknown.; Has not been previously published as pathogenic or benign to our knowledge; This variant is associated with the following publications: (PMID: 31587445, 32451492)

Labcorp Genetics (formerly Invitae), Labcorp
Classification: Uncertain significance for Retinitis pigmentosa 71; Short-rib thoracic dysplasia 10 with or without polydactyly. Last evaluated: 2019-12-14. Review status: criteria provided, single submitter. Criteria: Invitae Variant Classification Sherloc (09022015). Collection method: clinical testing. Allele origin: germline.
Comment: In summary, the available evidence is currently insufficient to determine the role of this variant in disease. Therefore, it has been classified as a Variant of Uncertain Significance. Algorithms developed to predict the effect of sequence changes on RNA splicing suggest that this variant may create or strengthen a splice site, but this prediction has not been confirmed by published transcriptional studies. Algorithms developed to predict the effect of missense changes on protein structure and function are either unavailable or do not agree on the potential impact of this missense change (SIFT: "Deleterious"; PolyPhen-2: "Probably Damaging"; Align-GVGD: "Class C0"). This variant has not been reported in the literature in individuals with IFT172-related conditions. This variant is not present in population databases (ExAC no frequency). This sequence change replaces leucine with arginine at codon 493 of the IFT172 protein (p.Leu493Arg). The leucine residue is highly conserved and there is a moderate physicochemical difference between leucine and arginine.

OMIM
Classification: Uncertain significance for VARIANT OF UNKNOWN SIGNIFICANCE. Last evaluated: 2021-10-29. Review status: no assertion criteria provided. Collection method: literature only. Allele origin: germline. Not counted in ClinVar's aggregate classification.

Department of Neurology, Kindai University
Classification: Pathogenic for Bardet-Biedl syndrome type 20. Last evaluated: 2020-03-24. Review status: no assertion criteria provided. Collection method: case-control. Allele origin: paternal. Affected: yes. Observed: 1 variant allele. Not counted in ClinVar's aggregate classification.

OMIM
Classification: Pathogenic for BARDET-BIEDL SYNDROME 20. Last evaluated: 2021-08-05. Review status: flagged submission. Collection method: literature only. Allele origin: germline. Not counted in ClinVar's aggregate classification.
ClinVar note: Reason: This record appears to be redundant with a more recent record from the same submitter.
ClinVar note: Notes: SCV001769493 appears to be redundant with SCV001989750.

Literature cited by the submitters: PubMed 31587445 (cited by Dasa and OMIM); PubMed 32451492 (cited by Dasa and OMIM); PubMed 24290075 (cited by OMIM).